The following is an entry in ClinVar:

ClinVar aggregate classification (germline): Uncertain significance. Review status: criteria provided, multiple submitters, no conflicts (2 of 4 stars). 2 submissions from 2 submitters: Uncertain significance (2). Last evaluated 2023-04-18.

Allele frequency attached by ClinVar (database versions not stated): gnomAD exomes 0.00003; TOPMed 0.00004; gnomAD 0.00006; ExAC 0.00007; ESP Exome Variant Server 0.00031.
gnomAD v4.1: 61 of 1,612,880 alleles (0.0038%); highest among the groups gnomAD compares: Non-Finnish European, 0.0052%; no homozygotes.

Submissions (2):

Ambry Genetics
Classification: Uncertain significance. Last evaluated: 2023-04-18. Review status: criteria provided, single submitter. Criteria: Ambry Variant Classification Scheme 2023. Collection method: clinical testing. Allele origin: germline.

Greenwood Genetic Center Diagnostic Laboratories, Greenwood Genetic Center
Classification: Uncertain significance. Last evaluated: 2021-10-05. Review status: criteria provided, single submitter. Criteria: ACMG Guidelines, 2015. Collection method: clinical testing. Allele origin: germline. Affected: yes.
Comment: PP2, PM2

NM_001606.5(ABCA2):c.1625G>C (p.Arg542Thr)

Gene: ABCA2 (ATP binding cassette subfamily A member 2; minus strand). Cytogenetic location: 9q34.3.
Variant type: single nucleotide variant.
Coding change: c.1625G>C on transcript NM_001606.5 (MANE Select); coding-DNA position 1625, G replaced by C.
Protein change: p.Arg542Thr; replaces arginine 542 with threonine.
Molecular consequence: missense variant.
Genome position (GRCh38, 1-based): chr9:137,019,000, C>G on the plus strand (G>C on the coding strand, the complement: ABCA2 is on the minus strand). VCF-style: chr9-137019000-C-G. GRCh37 (hg19) VCF-style: chr9-139913452-C-G.
Other names: c.1715G>C, p.Arg572Thr (NM_212533.3); c.1715G>C (NM_212533.2); short protein forms R542T, R572T.
Identifiers: ClinVar variation 1334612 (VCV001334612.6), dbSNP rs369680440, ClinGen allele CA5355398.